The following is an entry in ClinVar:

NM_001458.5(FLNC):c.5834A>G (p.Lys1945Arg)

Genes: FLNC-AS1 (FLNC antisense RNA 1; minus strand), FLNC (filamin C; plus strand). Cytogenetic location: 7q32.1.
Variant type: single nucleotide variant.
Coding change: c.5834A>G on transcript NM_001458.5 (MANE Select); coding-DNA position 5834, A replaced by G.
Protein change: p.Lys1945Arg; replaces lysine 1945 with arginine.
Molecular consequence: missense variant.
Genome position (GRCh38, 1-based): chr7:128,851,620, A>G. VCF-style: chr7-128851620-A-G. GRCh37 (hg19) VCF-style: chr7-128491674-A-G.
Other names: c.5735A>G, p.Lys1912Arg (NM_001127487.2); short protein forms K1912R, K1945R.
Identifiers: ClinVar variation 3749832 (VCV003749832.2).

ClinVar aggregate classification (germline): Uncertain significance (1 of 4 stars; one submission).

Conditions:
Distal myopathy with posterior leg and anterior hand involvement. Also called: WILLIAMS DISTAL MYOPATHY. Identifiers: Orphanet 63273, MedGen C3279722, MONDO:0013550, OMIM 614065.
Hypertrophic cardiomyopathy 26. Also called: Cardiomyopathy, familial hypertrophic, 26. Identifiers: Orphanet 75249, MedGen C4310749, MONDO:0014883, OMIM 617047.
Myofibrillar myopathy 5. Also called: Filaminopathy (type); FILAMINOPATHY, AUTOSOMAL DOMINANT. Identifiers: Orphanet 171445, MedGen C1836050, MONDO:0012289, OMIM 609524.

Submission:

Labcorp Genetics (formerly Invitae), Labcorp
Classification: Uncertain significance for Distal myopathy with posterior leg and anterior hand involvement; Myofibrillar myopathy 5; Hypertrophic cardiomyopathy 26. Last evaluated: 2024-07-21. Review status: criteria provided, single submitter. Criteria: Invitae Variant Classification Sherloc (09022015). Collection method: clinical testing. Allele origin: germline.
Comment: This sequence change replaces lysine, which is basic and polar, with arginine, which is basic and polar, at codon 1945 of the FLNC protein (p.Lys1945Arg). This variant is not present in population databases (gnomAD no frequency). This variant has not been reported in the literature in individuals affected with FLNC-related conditions. Advanced modeling of protein sequence and biophysical properties (such as structural, functional, and spatial information, amino acid conservation, physicochemical variation, residue mobility, and thermodynamic stability) has been performed at Invitae for this missense variant, however the output from this modeling did not meet the statistical confidence thresholds required to predict the impact of this variant on FLNC protein function. In summary, the available evidence is currently insufficient to determine the role of this variant in disease. Therefore, it has been classified as a Variant of Uncertain Significance.